The following is an entry in ClinVar:

ClinVar aggregate classification (germline): Uncertain significance. Review status: criteria provided, multiple submitters, no conflicts (2 of 4 stars). 2 submissions from 2 submitters: Uncertain significance (2). Last evaluated 2025-02-24.

Conditions:
Inborn genetic diseases. Identifiers: MedGen C0950123, MeSH D030342.

Allele frequency attached by ClinVar (database versions not stated): gnomAD exomes below 0.00001; gnomAD 0.00001; ExAC 0.00001.
gnomAD v4.1: 3 of 1,606,434 alleles (0.00019%); highest among the groups gnomAD compares: Admixed American, 0.005%; no homozygotes.

Submissions (2):

Labcorp Genetics (formerly Invitae), Labcorp
Classification: Uncertain significance. Last evaluated: 2025-02-24. Review status: criteria provided, single submitter. Criteria: Invitae Variant Classification Sherloc (09022015). Collection method: clinical testing. Allele origin: germline.
Comment: This sequence change replaces glutamic acid, which is acidic and polar, with lysine, which is basic and polar, at codon 1297 of the VCAN protein (p.Glu1297Lys). This variant is present in population databases (rs780461069, gnomAD 0.003%). This variant has not been reported in the literature in individuals affected with VCAN-related conditions. ClinVar contains an entry for this variant (Variation ID: 2813237). An algorithm developed to predict the effect of missense changes on protein structure and function outputs the following: PolyPhen-2: "Possibly Damaging". The lysine amino acid residue is found in multiple mammalian species, which suggests that this missense change does not adversely affect protein function. In summary, the available evidence is currently insufficient to determine the role of this variant in disease. Therefore, it has been classified as a Variant of Uncertain Significance.

Ambry Genetics
Classification: Uncertain significance for Inborn genetic diseases. Last evaluated: 2024-12-22. Review status: criteria provided, single submitter. Criteria: Ambry Variant Classification Scheme 2023. Collection method: clinical testing. Allele origin: germline.

NM_004385.5(VCAN):c.3889G>A (p.Glu1297Lys)

Gene: VCAN (versican; plus strand). Cytogenetic location: 5q14.3.
Variant type: single nucleotide variant.
Coding change: c.3889G>A on transcript NM_004385.5 (MANE Select); coding-DNA position 3889, G replaced by A.
Protein change: p.Glu1297Lys; replaces glutamic acid 1297 with lysine.
Molecular consequence: missense variant. On other transcripts: intron variant (2).
Genome position (GRCh38, 1-based): chr5:83,522,195, G>A. VCF-style: chr5-83522195-G-A. GRCh37 (hg19) VCF-style: chr5-82818014-G-A.
Other names: c.1042+9799G>A (NM_001164097.2, NM_001126336.3); c.3889G>A, p.Glu1297Lys (NM_001164098.2); c.3889G>A (NM_004385.4); short protein forms E1297K.
Identifiers: ClinVar variation 2813237 (VCV002813237.4), dbSNP rs780461069, ClinGen allele CA3333075.